The following is an entry in ClinVar:

NM_014014.5(SNRNP200):c.5365G>A (p.Val1789Met)

Gene: SNRNP200 (small nuclear ribonucleoprotein U5 subunit 200; minus strand). Cytogenetic location: 2q11.2.
Variant type: single nucleotide variant.
Coding change: c.5365G>A on transcript NM_014014.5 (MANE Select); coding-DNA position 5365, G replaced by A.
Protein change: p.Val1789Met; replaces valine 1789 with methionine.
Molecular consequence: missense variant.
Genome position (GRCh38, 1-based): chr2:96,278,670, C>T on the plus strand (G>A on the coding strand, the complement: SNRNP200 is on the minus strand). VCF-style: chr2-96278670-C-T. GRCh37 (hg19) VCF-style: chr2-96944408-C-T.
Other names: short protein forms V1789M.
Identifiers: ClinVar variation 2129314 (VCV002129314.4), dbSNP rs2467313630, ClinGen allele CA347659386.

ClinVar aggregate classification (germline): Uncertain significance (1 of 4 stars; one submission).

gnomAD v4.1: 1 of 1,614,200 alleles (0.000062%); highest among the groups gnomAD compares: Non-Finnish European, 0.000085%; no homozygotes.

Submission:

Labcorp Genetics (formerly Invitae), Labcorp
Classification: Uncertain significance. Last evaluated: 2022-04-22. Review status: criteria provided, single submitter. Criteria: Invitae Variant Classification Sherloc (09022015). Collection method: clinical testing. Allele origin: germline.
Comment: This sequence change replaces valine, which is neutral and non-polar, with methionine, which is neutral and non-polar, at codon 1789 of the SNRNP200 protein (p.Val1789Met). In summary, the available evidence is currently insufficient to determine the role of this variant in disease. Therefore, it has been classified as a Variant of Uncertain Significance. Algorithms developed to predict the effect of missense changes on protein structure and function are either unavailable or do not agree on the potential impact of this missense change (SIFT: "Deleterious"; PolyPhen-2: "Probably Damaging"; Align-GVGD: "Class C0"). This variant has not been reported in the literature in individuals affected with SNRNP200-related conditions. This variant is not present in population databases (gnomAD no frequency).